The following is an entry in ClinVar:

ClinVar aggregate classification (germline): Uncertain significance (1 of 4 stars; one submission).

Conditions:
Hypertrophic cardiomyopathy 10. Also called: CARDIOMYOPATHY, HYPERTROPHIC, MID-LEFT VENTRICULAR CHAMBER TYPE, 2; MYL2-Related Familial Hypertrophic Cardiomyopathy. Identifiers: MedGen C1834460, MONDO:0012112, OMIM 608758.

Allele frequency attached by ClinVar (database versions not stated): gnomAD exomes below 0.00001.

Submission:

Labcorp Genetics (formerly Invitae), Labcorp
Classification: Uncertain significance for Hypertrophic cardiomyopathy 10. Last evaluated: 2022-02-10. Review status: criteria provided, single submitter. Criteria: Invitae Variant Classification Sherloc (09022015). Collection method: clinical testing. Allele origin: germline.
Comment: In summary, the available evidence is currently insufficient to determine the role of this variant in disease. Therefore, it has been classified as a Variant of Uncertain Significance. Algorithms developed to predict the effect of missense changes on protein structure and function are either unavailable or do not agree on the potential impact of this missense change (SIFT: "Tolerated"; PolyPhen-2: "Probably Damaging"; Align-GVGD: "Class C0"). This variant has not been reported in the literature in individuals affected with MYL2-related conditions. This variant is present in population databases (no rsID available, gnomAD 0.0009%). This sequence change replaces aspartic acid, which is acidic and polar, with asparagine, which is neutral and polar, at codon 45 of the MYL2 protein (p.Asp45Asn).

NM_000432.4(MYL2):c.133G>A (p.Asp45Asn)

Gene: MYL2 (myosin light chain 2; minus strand). Cytogenetic location: 12q24.11.
Variant type: single nucleotide variant.
Coding change: c.133G>A on transcript NM_000432.4 (MANE Select); coding-DNA position 133, G replaced by A.
Protein change: p.Asp45Asn; replaces aspartic acid 45 with asparagine.
Molecular consequence: missense variant.
Genome position (GRCh38, 1-based): chr12:110,915,751, C>T on the plus strand (G>A on the coding strand, the complement: MYL2 is on the minus strand). VCF-style: chr12-110915751-C-T. GRCh37 (hg19) VCF-style: chr12-111353555-C-T.
Other names: short protein forms D45N.
Identifiers: ClinVar variation 1360651 (VCV001360651.8), dbSNP rs1363460648, ClinGen allele CA386699351.
Genomic context (GRCh38, chr12:110,915,751, plus strand): 5'-GCAGGGCTAGAGAGGGTGACATACCAAGGGCAGCAAAGGTGTCTCTCAGATCGTTCTTGT[C>T]AATGAAGCCATCCCTGTTCTGGTCCATGATAGTGAAGGCCTGTGGAAGGGAAGTGATTGG-3'
Protein context (NP_000423.2, residues 35-55): IMDQNRDGFI[Asp45Asn]KNDLRDTFAA